The following is an entry in ClinVar:

ClinVar aggregate classification (germline): Uncertain significance. Review status: criteria provided, single submitter (1 of 4 stars). 2 submissions from 2 submitters: Uncertain significance (1). 1 of the submissions does not count toward it. Last evaluated 2018-05-30.

Submissions (2):

GeneDx
Classification: Uncertain significance. Last evaluated: 2018-05-30. Review status: criteria provided, single submitter. Criteria: GeneDx Variant Classification (06012015). Collection method: clinical testing. Allele origin: germline. Affected: yes.
Comment: The F442S variant has not been published as a pathogenic variant, nor has it been reported as a benign variant to our knowledge. The variant is not observed in large population cohorts (Lek et al., 2016). The variant is a non-conservative amino acid substitution, which is likely to impact secondary protein structure as these residues differ in polarity, charge, size and/or other properties. In-silico analyses, including protein predictors and evolutionary conservation, support a deleterious effect. In summary, based on the currently available information, it is unclear whether this variant is a pathogenic variant or a rare benign variant.

Retina International
No classification provided. Review status: no classification provided. Collection method: not provided. Allele origin: not provided. Not counted in ClinVar's aggregate classification.

NM_000350.3(ABCA4):c.1325T>C (p.Phe442Ser)

Gene: ABCA4 (ATP binding cassette subfamily A member 4; minus strand). Cytogenetic location: 1p22.1.
Variant type: single nucleotide variant.
Coding change: c.1325T>C on transcript NM_000350.3 (MANE Select); coding-DNA position 1325, T replaced by C.
Protein change: p.Phe442Ser; replaces phenylalanine 442 with serine.
Molecular consequence: missense variant.
Genome position (GRCh38, 1-based): chr1:94,078,621, A>G on the plus strand (T>C on the coding strand, the complement: ABCA4 is on the minus strand). VCF-style: chr1-94078621-A-G. GRCh37 (hg19) VCF-style: chr1-94544177-A-G.
Other names: c.1325T>C, p.Phe442Ser (NM_001425324.1); short protein forms F442S.
Identifiers: ClinVar variation 99044 (VCV000099044.2), dbSNP rs61752392, ClinGen allele CA226884.